The following is an entry in ClinVar:

ClinVar aggregate classification (germline): Uncertain significance (1 of 4 stars; one submission).

Allele frequency attached by ClinVar (database versions not stated): TOPMed below 0.00001; gnomAD 0.00001.
gnomAD v4.1: 1 of 1,613,900 alleles (0.000062%); highest among the groups gnomAD compares: Non-Finnish European, 0.000085%; no homozygotes.

Submission:

Labcorp Genetics (formerly Invitae), Labcorp
Classification: Uncertain significance. Last evaluated: 2024-10-30. Review status: criteria provided, single submitter. Criteria: Invitae Variant Classification Sherloc (09022015). Collection method: clinical testing. Allele origin: germline.
Comment: This sequence change replaces lysine, which is basic and polar, with glutamic acid, which is acidic and polar, at codon 596 of the MYO18B protein (p.Lys596Glu). This variant is not present in population databases (gnomAD no frequency). This variant has not been reported in the literature in individuals affected with MYO18B-related conditions. ClinVar contains an entry for this variant (Variation ID: 1476299). An algorithm developed to predict the effect of missense changes on protein structure and function (PolyPhen-2) suggests that this variant is likely to be tolerated. In summary, the available evidence is currently insufficient to determine the role of this variant in disease. Therefore, it has been classified as a Variant of Uncertain Significance.

NM_032608.7(MYO18B):c.1786A>G (p.Lys596Glu)

Gene: MYO18B (myosin XVIIIB; plus strand). Cytogenetic location: 22q12.1.
Variant type: single nucleotide variant.
Coding change: c.1786A>G on transcript NM_032608.7 (MANE Select); coding-DNA position 1786, A replaced by G.
Protein change: p.Lys596Glu; replaces lysine 596 with glutamic acid.
Molecular consequence: missense variant.
Genome position (GRCh38, 1-based): chr22:25,772,427, A>G. VCF-style: chr22-25772427-A-G. GRCh37 (hg19) VCF-style: chr22-26168394-A-G.
Other names: c.1786A>G, p.Lys596Glu (NM_001318245.2); short protein forms K596E.
Identifiers: ClinVar variation 1476299 (VCV001476299.3), dbSNP rs2086755856, ClinGen allele CA411005983.